The following is an entry in ClinVar:

ClinVar aggregate classification (germline): Benign/Likely benign. Review status: criteria provided, multiple submitters, no conflicts (2 of 4 stars). 11 submissions from 11 submitters: Benign (9); Likely benign (1). 1 of the submissions does not count toward it. Last evaluated 2026-02-04.

Conditions:
Alport syndrome. Also called: Hemorrhagic familial nephritis; Hemorrhagic hereditary nephritis; Congenital hereditary hematuria. Identifiers: Orphanet 63, MedGen C1567741, MONDO:0018965.

Allele frequency attached by ClinVar (database versions not stated): gnomAD 0.07065; TOPMed 0.07405; ESP Exome Variant Server 0.07410; gnomAD exomes 0.08472 and 0.08683; ExAC 0.08863; 1000 Genomes Project 30x 0.10275; 1000 Genomes Project 0.10304.
gnomAD v4.1: 138,541 of 1,613,482 alleles (8.6%); highest among the groups gnomAD compares: East Asian, 18%; 6,350 homozygotes.

Submissions (11):

Labcorp Genetics (formerly Invitae), Labcorp
Classification: Benign. Last evaluated: 2026-02-04. Review status: criteria provided, single submitter. Criteria: Invitae Variant Classification Sherloc (09022015). Collection method: clinical testing. Allele origin: germline.

Women's Health and Genetics/Laboratory Corporation of America, LabCorp
Classification: Benign. Last evaluated: 2026-01-31. Review status: criteria provided, single submitter. Criteria: LabCorp Variant Classification Summary - May 2015. Collection method: clinical testing. Allele origin: germline.

Blueprint Genetics
Classification: Likely benign. Last evaluated: 2024-11-26. Review status: criteria provided, single submitter. Criteria: ACMG Guidelines, 2015. Collection method: clinical testing. Allele origin: germline.

Mayo Clinic Laboratories, Mayo Clinic
Classification: Benign. Last evaluated: 2022-04-17. Review status: criteria provided, single submitter. Criteria: ACMG Guidelines, 2015. Collection method: clinical testing. Allele origin: germline. Observed: 61 variant alleles.

Illumina Laboratory Services, Illumina
Classification: Benign for Alport syndrome. Last evaluated: 2018-01-13. Review status: criteria provided, single submitter. Criteria: ICSL Variant Classification Criteria 13 December 2019. Collection method: clinical testing. Allele origin: germline.
Comment: This variant was observed in the ICSL laboratory as part of a predisposition screen in an ostensibly healthy population. It had not been previously curated by ICSL or reported in the Human Gene Mutation Database (HGMD: prior to June 1st, 2018), and was therefore a candidate for classification through an automated scoring system. Utilizing variant allele frequency, disease prevalence and penetrance estimates, and inheritance mode, an automated score was calculated to assess if this variant is too frequent to cause the disease. Based on the score and internal cut-off values, a variant classified as benign is not then subjected to further curation. The score for this variant resulted in a classification of benign for this disease.

Athena Diagnostics
Classification: Benign. Last evaluated: 2017-08-21. Review status: criteria provided, single submitter. Criteria: Athena Diagnostics Criteria. Collection method: clinical testing. Allele origin: germline.

GeneDx
Classification: Benign. Last evaluated: 2017-05-09. Review status: criteria provided, single submitter. Criteria: GeneDx Variant Classification (06012015). Collection method: clinical testing. Allele origin: germline. Affected: yes.
Comment: This variant is considered likely benign or benign based on one or more of the following criteria: it is a conservative change, it occurs at a poorly conserved position in the protein, it is predicted to be benign by multiple in silico algorithms, and/or has population frequency not consistent with disease.

Laboratory for Molecular Medicine, Mass General Brigham Personalized Medicine
Classification: Benign. Last evaluated: 2016-03-21. Review status: criteria provided, single submitter. Criteria: LMM Criteria. Collection method: clinical testing. Allele origin: germline. Observed: 43 variant alleles.
Comment: c.2384-5T>C in intron 28 of COL4A4: This variant is not expected to have clinica l significance because a T>C change at this position does not diverge from the s plice consensus sequence and is therefore unlikely to impact splicing. It has be en identified in 16.50% (1412/8558) of East Asian chromosomes by the Exome Aggre gation Consortium (ExAC; dbSNP rs3769641).

Breakthrough Genomics
Classification: Benign. Review status: criteria provided, single submitter. Criteria: ACMG Guidelines, 2015. Collection method: not provided. Allele origin: germline. Inheritance: Autosomal recessive inheritance. Affected: yes.

PreventionGenetics, part of Exact Sciences
Classification: Benign. Review status: criteria provided, single submitter. Criteria: ACMG Guidelines, 2015. Collection method: clinical testing. Allele origin: germline.

Natera, Inc.
Classification: Benign for Alport syndrome. Last evaluated: 2020-09-16. Review status: no assertion criteria provided. Collection method: clinical testing. Allele origin: germline. Not counted in ClinVar's aggregate classification.

NM_000092.5(COL4A4):c.2384-5T>C

Gene: COL4A4 (collagen type IV alpha 4 chain; minus strand). Cytogenetic location: 2q36.3.
Variant type: single nucleotide variant.
Coding change: c.2384-5T>C on transcript NM_000092.5 (MANE Select); 5 bases into the intron before coding-DNA position 2384, T replaced by C.
Molecular consequence: intron variant.
Genome position (GRCh38, 1-based): chr2:227,057,605, A>G on the plus strand (T>C on the coding strand, the complement: COL4A4 is on the minus strand). VCF-style: chr2-227057605-A-G. GRCh37 (hg19) VCF-style: chr2-227922321-A-G.
Other names: p.?.
Identifiers: ClinVar variation 255020 (VCV000255020.22), dbSNP rs3769641, ClinGen allele CA2144811.